The following is an entry in ClinVar:

NM_031372.4(HNRNPDL):c.1198C>G (p.Gln400Glu)

Gene: HNRNPDL (heterogeneous nuclear ribonucleoprotein D like; minus strand). Cytogenetic location: 4q21.22.
Variant type: single nucleotide variant.
Coding change: c.1198C>G on transcript NM_031372.4 (MANE Select); coding-DNA position 1198, C replaced by G.
Protein change: p.Gln400Glu; replaces glutamine 400 with glutamic acid.
Molecular consequence: missense variant. On other transcripts: non-coding transcript variant (1).
Genome position (GRCh38, 1-based): chr4:82,426,124, G>C on the plus strand (C>G on the coding strand, the complement: HNRNPDL is on the minus strand). VCF-style: chr4-82426124-G-C. GRCh37 (hg19) VCF-style: chr4-83347277-G-C.
Other names: c.1027C>G, p.Gln343Glu (NM_001207000.1); short protein forms Q343E, Q400E.
Identifiers: ClinVar variation 2910879 (VCV002910879.3), dbSNP rs957372152, ClinGen allele CA100595716.

ClinVar aggregate classification (germline): Uncertain significance (1 of 4 stars; one submission).

Conditions:
Autosomal dominant limb-girdle muscular dystrophy type 1G (LGMDD3). Also called: Limb-girdle muscular dystrophy, type 1G; MUSCULAR DYSTROPHY, LIMB-GIRDLE, AUTOSOMAL DOMINANT 3. Identifiers: Orphanet 55596, MedGen C1836765, MONDO:0012193, OMIM 609115.

Allele frequency attached by ClinVar (database versions not stated): gnomAD 0.00001; gnomAD exomes 0.00001; TOPMed 0.00001.

Submission:

Labcorp Genetics (formerly Invitae), Labcorp
Classification: Uncertain significance for Autosomal dominant limb-girdle muscular dystrophy type 1G. Last evaluated: 2025-08-03. Review status: criteria provided, single submitter. Criteria: Invitae Variant Classification Sherloc (09022015). Collection method: clinical testing. Allele origin: germline.
Comment: This sequence change replaces glutamine, which is neutral and polar, with glutamic acid, which is acidic and polar, at codon 400 of the HNRNPDL protein (p.Gln400Glu). This variant is present in population databases (no rsID available, gnomAD 0.009%). This variant has not been reported in the literature in individuals affected with HNRNPDL-related conditions. ClinVar contains an entry for this variant (Variation ID: 2910879). An algorithm developed to predict the effect of missense changes on protein structure and function (PolyPhen-2) suggests that this variant is likely to be tolerated. In summary, the available evidence is currently insufficient to determine the role of this variant in disease. Therefore, it has been classified as a Variant of Uncertain Significance.